The following is an entry in ClinVar:

ClinVar aggregate classification (germline): Uncertain significance. Review status: criteria provided, multiple submitters, no conflicts (2 of 4 stars). 2 submissions from 2 submitters: Uncertain significance (2). Last evaluated 2021-09-17.

Conditions:
Walker-Warburg congenital muscular dystrophy. Also called: Muscular dystrophy-dystroglycanopathy, type A; Walker-Warburg syndrome. Identifiers: Orphanet 899, MedGen C0265221, MONDO:0000171.
Autosomal recessive limb-girdle muscular dystrophy type 2K. Also called: MUSCULAR DYSTROPHY, LIMB-GIRDLE, TYPE 2K; MUSCULAR DYSTROPHY-DYSTROGLYCANOPATHY (LIMB-GIRDLE), TYPE C, 1. Identifiers: Orphanet 86812, MedGen C1836373, MONDO:0012248, OMIM 609308.
Muscular dystrophy-dystroglycanopathy (congenital with impaired intellectual development), type B, 1. Also called: MUSCULAR DYSTROPHY, CONGENITAL, POMT1-RELATED; Muscular dystrophy-dystroglycanopathy (congenital with intellectual disability), type B1. Identifiers: MedGen C5436962, MONDO:0013159, OMIM 613155.

Allele frequency attached by ClinVar (database versions not stated): gnomAD 0.00002 and 0.00001; 1000 Genomes Project 30x 0.00016; 1000 Genomes Project 0.00020; ExAC 0.00002; ESP Exome Variant Server 0.00008; TOPMed 0.00001; gnomAD exomes 0.00002.
gnomAD v4.1: 35 of 1,613,356 alleles (0.0022%); highest among the groups gnomAD compares: East Asian, 0.0067%; no homozygotes.

Submissions (2):

Labcorp Genetics (formerly Invitae), Labcorp
Classification: Uncertain significance for Muscular dystrophy-dystroglycanopathy (congenital with impaired intellectual development), type B, 1; Walker-Warburg congenital muscular dystrophy; Autosomal recessive limb-girdle muscular dystrophy type 2K. Last evaluated: 2021-09-17. Review status: criteria provided, single submitter. Criteria: Invitae Variant Classification Sherloc (09022015). Collection method: clinical testing. Allele origin: germline.
Comment: This sequence change replaces alanine with threonine at codon 474 of the POMT1 protein (p.Ala474Thr). The alanine residue is highly conserved and there is a small physicochemical difference between alanine and threonine. This variant is present in population databases (rs150702948, ExAC 0.006%). This variant has not been reported in the literature in individuals affected with POMT1-related conditions. ClinVar contains an entry for this variant (Variation ID: 805233). Algorithms developed to predict the effect of missense changes on protein structure and function are either unavailable or do not agree on the potential impact of this missense change (SIFT: "Deleterious"; PolyPhen-2: "Possibly Damaging"; Align-GVGD: "Class C0"). In summary, the available evidence is currently insufficient to determine the role of this variant in disease. Therefore, it has been classified as a Variant of Uncertain Significance.

Athena Diagnostics
Classification: Uncertain significance. Last evaluated: 2018-10-18. Review status: criteria provided, single submitter. Criteria: Athena Diagnostics Criteria. Collection method: clinical testing. Allele origin: germline.

NM_001077365.2(POMT1):c.1354G>A (p.Ala452Thr)

Gene: POMT1 (protein O-mannosyltransferase 1; plus strand). Cytogenetic location: 9q34.13.
Variant type: single nucleotide variant.
Coding change: c.1354G>A on transcript NM_001077365.2 (MANE Select); coding-DNA position 1354, G replaced by A.
Protein change: p.Ala452Thr; replaces alanine 452 with threonine.
Molecular consequence: missense variant. On other transcripts: non-coding transcript variant (10).
Genome position (GRCh38, 1-based): chr9:131,518,526, G>A. VCF-style: chr9-131518526-G-A. GRCh37 (hg19) VCF-style: chr9-134393913-G-A.
Other names: c.1192G>A, p.Ala398Thr (NM_001077366.2, NM_001353194.2); c.1354G>A, p.Ala452Thr (NM_001136113.2, NM_001374690.1); c.1003G>A, p.Ala335Thr (NM_001136114.2, NM_001353195.2, NM_001374691.1 and 2 more transcripts); c.1420G>A, p.Ala474Thr (NM_001353193.2, NM_007171.4); c.1264G>A, p.Ala422Thr (NM_001353196.2); c.1258G>A, p.Ala420Thr (NM_001353197.2, NM_001353198.2); c.1069G>A, p.Ala357Thr (NM_001353199.2); c.898G>A, p.Ala300Thr (NM_001353200.2); and 2 more; short protein forms A357T, A422T, A448T, A335T, A420T, A452T, A474T, A300T.
Identifiers: ClinVar variation 805233 (VCV000805233.6), dbSNP rs150702948, ClinGen allele CA5293665.